The following is an entry in ClinVar:

ClinVar aggregate classification (germline): Likely benign (1 of 4 stars; one submission).

Conditions:
Hypertrophic cardiomyopathy. Also called: HYPERTROPHIC MYOCARDIOPATHY. Identifiers: Orphanet 217569, MedGen C0007194, MeSH D002312, MONDO:0005045, HP:0001639.

Submission:

All of Us Research Program, National Institutes of Health
Classification: Likely benign for Hypertrophic cardiomyopathy. Last evaluated: 2023-08-08. Review status: criteria provided, single submitter. Criteria: ACMG Guidelines, 2015. Collection method: clinical testing. Allele origin: germline. Inheritance: Autosomal dominant inheritance. Observed: 1 variant allele, 1 heterozygote.
Comment: This study involves interpretation of variants in research participants for the purpose of population health screening. Participant phenotype was not available at the time of variant classification. Additional details can be found in publication PMID: 35346344, PMCID: PMC8962531

NM_000256.3(MYBPC3):c.861T>C (p.His287=)

Gene: MYBPC3 (myosin binding protein C3; minus strand). Cytogenetic location: 11p11.2.
Variant type: single nucleotide variant.
Coding change: c.861T>C on transcript NM_000256.3 (MANE Select); coding-DNA position 861, T replaced by C.
Protein change: p.His287=; no amino-acid change (histidine 287 retained).
Molecular consequence: synonymous variant.
Genome position (GRCh38, 1-based): chr11:47,347,470, A>G on the plus strand (T>C on the coding strand, the complement: MYBPC3 is on the minus strand). VCF-style: chr11-47347470-A-G. GRCh37 (hg19) VCF-style: chr11-47369021-A-G.
Identifiers: ClinVar variation 3072547 (VCV003072547.1), dbSNP rs2095895416, ClinGen allele CA474221236.